The following is an entry in ClinVar:

NM_033056.4(PCDH15):c.5270C>T (p.Ser1757Phe)

Gene: PCDH15 (protocadherin related 15; minus strand). Cytogenetic location: 10q21.1.
Variant type: single nucleotide variant.
Coding change: c.5270C>T on transcript NM_033056.4 (MANE Plus Clinical); coding-DNA position 5270, C replaced by T.
Protein change: p.Ser1757Phe; replaces serine 1757 with phenylalanine.
Molecular consequence: missense variant. On other transcripts: intron variant (8).
Genome position (GRCh38, 1-based): chr10:53,822,456, G>A on the plus strand (C>T on the coding strand, the complement: PCDH15 is on the minus strand). VCF-style: chr10-53822456-G-A. GRCh37 (hg19) VCF-style: chr10-55582216-G-A.
Other names: c.5291C>T, p.Ser1764Phe (NM_001142763.2); c.5276C>T, p.Ser1759Phe (NM_001142764.2); c.5063C>T, p.Ser1688Phe (NM_001142765.2); c.5261C>T, p.Ser1754Phe (NM_001142766.2); c.5150C>T, p.Ser1717Phe (NM_001142767.2); c.5210C>T, p.Ser1737Phe (NM_001142768.2); c.5201C>T, p.Ser1734Phe (NM_001142773.2); c.5204C>T, p.Ser1735Phe (NM_001354404.2); and 7 more; short protein forms S1717F, S1735F, S1764F, S1734F, S1737F, S1754F, S1757F, S1688F.
Identifiers: ClinVar variation 953521 (VCV000953521.6), dbSNP rs2076351421, ClinGen allele CA376525264.
Genomic context (GRCh38, chr10:53,822,456, plus strand): 5'-AAAAGAGAAAAAGGAGAAATGTCAGGAGGAGGAGCAAGAGGAGCAGGAGCAGGAGGAGGA[G>A]AAGGAGGAGAAATAGGAGGAGGAGGGGGAAGGGGACAGGCAGAAGGAGAGATGTTTGGTG-3'
Protein context (NP_149045.3, residues 1747-1767): LPPPPPISPP[Ser1757Phe]PPPAPAPLAP

ClinVar aggregate classification (germline): Uncertain significance (1 of 4 stars; one submission).

Allele frequency attached by ClinVar (database versions not stated): TOPMed below 0.00001; gnomAD exomes 0.00001.
gnomAD v4.1: 8 of 1,600,058 alleles (0.0005%); highest among the groups gnomAD compares: African/African-American, 0.0014%; no homozygotes.

Submission:

Labcorp Genetics (formerly Invitae), Labcorp
Classification: Uncertain significance. Last evaluated: 2025-09-02. Review status: criteria provided, single submitter. Criteria: Invitae Variant Classification Sherloc (09022015). Collection method: clinical testing. Allele origin: germline.
Comment: This sequence change replaces serine, which is neutral and polar, with phenylalanine, which is neutral and non-polar, at codon 1757 of the PCDH15 protein (p.Ser1757Phe). This variant is not present in population databases (gnomAD no frequency). This variant has not been reported in the literature in individuals affected with PCDH15-related conditions. ClinVar contains an entry for this variant (Variation ID: 953521). Invitae Evidence Modeling of protein sequence and biophysical properties (such as structural, functional, and spatial information, amino acid conservation, physicochemical variation, residue mobility, and thermodynamic stability) indicates that this missense variant is not expected to disrupt PCDH15 protein function with a negative predictive value of 95%. In summary, the available evidence is currently insufficient to determine the role of this variant in disease. Therefore, it has been classified as a Variant of Uncertain Significance.